The following is an entry in ClinVar:

NM_003283.6(TNNT1):c.46G>C (p.Glu16Gln)

Gene: TNNT1 (troponin T1, slow skeletal type; minus strand). Cytogenetic location: 19q13.42.
Variant type: single nucleotide variant.
Coding change: c.46G>C on transcript NM_003283.6 (MANE Select); coding-DNA position 46, G replaced by C.
Protein change: p.Glu16Gln; replaces glutamic acid 16 with glutamine.
Molecular consequence: missense variant.
Genome position (GRCh38, 1-based): chr19:55,147,008, C>G on the plus strand (G>C on the coding strand, the complement: TNNT1 is on the minus strand). VCF-style: chr19-55147008-C-G. GRCh37 (hg19) VCF-style: chr19-55658376-C-G.
Other names: c.46G>C, p.Glu16Gln (NM_001126132.3, NM_001126133.3, NM_001291774.2); short protein forms E16Q.
Identifiers: ClinVar variation 514879 (VCV000514879.11), dbSNP rs533504444, ClinGen allele CA9667647.

ClinVar aggregate classification (germline): Likely benign. Review status: criteria provided, multiple submitters, no conflicts (2 of 4 stars). 3 submissions from 3 submitters: Likely benign (3). Last evaluated 2024-10-12.

Conditions:
Nemaline myopathy 5 (NEM5A). Also called: Nemaline myopathy 5, Amish type; NEMALINE MYOPATHY 5A, AUTOSOMAL RECESSIVE, SEVERE INFANTILE; NEMALINE MYOPATHY, AMISH TYPE. Identifiers: Orphanet 98902, MedGen C1854380, MONDO:0011539, OMIM 605355.

Allele frequency attached by ClinVar (database versions not stated): 1000 Genomes Project 30x 0.00016; 1000 Genomes Project 0.00020.
gnomAD v4.1: 165 of 1,610,072 alleles (0.01%); highest among the groups gnomAD compares: South Asian, 0.17%; 1 homozygote.

Submissions (3):

Labcorp Genetics (formerly Invitae), Labcorp
Classification: Likely benign for Nemaline myopathy 5. Last evaluated: 2024-10-12. Review status: criteria provided, single submitter. Criteria: Invitae Variant Classification Sherloc (09022015). Collection method: clinical testing. Allele origin: germline.

Dubai Health Genomic Medicine Center, Dubai Health
Classification: Likely benign for Nemaline myopathy 5. Last evaluated: 2020-03-22. Review status: criteria provided, single submitter. Criteria: ACMG Guidelines, 2015. Collection method: clinical testing. Allele origin: germline. Affected: yes.

GeneDx
Classification: Likely benign. Last evaluated: 2018-01-29. Review status: criteria provided, single submitter. Criteria: GeneDx Variant Classification (06012015). Collection method: clinical testing. Allele origin: germline. Affected: yes.
Comment: This variant is considered likely benign or benign based on one or more of the following criteria: it is a conservative change, it occurs at a poorly conserved position in the protein, it is predicted to be benign by multiple in silico algorithms, and/or has population frequency not consistent with disease.